The following is an entry in ClinVar:

NM_000719.7(CACNA1C):c.5939G>A (p.Ser1980Asn)

Genes: CACNA1C (calcium voltage-gated channel subunit alpha1 C; plus strand), CACNA1C-AS1 (CACNA1C antisense RNA 1; minus strand). Cytogenetic location: 12p13.33.
Variant type: single nucleotide variant.
Coding change: c.5939G>A on transcript NM_000719.7 (MANE Select); coding-DNA position 5939, G replaced by A.
Protein change: p.Ser1980Asn; replaces serine 1980 with asparagine.
Molecular consequence: missense variant.
Genome position (GRCh38, 1-based): chr12:2,688,601, G>A. VCF-style: chr12-2688601-G-A. GRCh37 (hg19) VCF-style: chr12-2797767-G-A.
Other names: c.6083G>A, p.Ser2028Asn (NM_001129827.2); c.6062G>A, p.Ser2021Asn (NM_001129829.2); c.6044G>A, p.Ser2015Asn (NM_001129830.3, NM_001167624.3); c.6023G>A, p.Ser2008Asn (NM_001129831.2); c.5999G>A, p.Ser2000Asn (NM_001129832.2); c.5996G>A, p.Ser1999Asn (NM_001129833.2, NM_001129834.2, NM_001129835.2); c.5990G>A, p.Ser1997Asn (NM_001129836.2); c.5963G>A, p.Ser1988Asn (NM_001129837.2, NM_001129838.2); and 6 more; short protein forms S1969N, S1977N, S1980N, S1986N, S1988N, S1997N, S1999N, S2000N.
Identifiers: ClinVar variation 1025911 (VCV001025911.9), dbSNP rs749945590, ClinGen allele CA6390036.

ClinVar aggregate classification (germline): Uncertain significance (1 of 4 stars; one submission).

Conditions:
Long QT syndrome (LQTS). Identifiers: MedGen C0023976, MeSH D008133, MONDO:0002442. Disease mechanism: loss of function. Inheritance: Various modes of inheritance.

Allele frequency attached by ClinVar (database versions not stated): gnomAD 0.00001; gnomAD exomes 0.00001; TOPMed 0.00001; ExAC 0.00002.
gnomAD v4.1: 20 of 1,613,886 alleles (0.0012%); highest among the groups gnomAD compares: Non-Finnish European, 0.0015%; no homozygotes.

Submission:

Labcorp Genetics (formerly Invitae), Labcorp
Classification: Uncertain significance for Long QT syndrome. Last evaluated: 2026-01-19. Review status: criteria provided, single submitter. Criteria: Invitae Variant Classification Sherloc (09022015). Collection method: clinical testing. Allele origin: germline.
Comment: This sequence change replaces serine, which is neutral and polar, with asparagine, which is neutral and polar, at codon 1980 of the CACNA1C protein (p.Ser1980Asn). This variant is present in population databases (rs749945590, gnomAD 0.003%). This variant has not been reported in the literature in individuals affected with CACNA1C-related conditions. ClinVar contains an entry for this variant (Variation ID: 1025911). Invitae Evidence Modeling of protein sequence and biophysical properties (such as structural, functional, and spatial information, amino acid conservation, physicochemical variation, residue mobility, and thermodynamic stability) indicates that this missense variant is not expected to disrupt CACNA1C protein function with a negative predictive value of 95%. In summary, the available evidence is currently insufficient to determine the role of this variant in disease. Therefore, it has been classified as a Variant of Uncertain Significance.